The following is an entry in ClinVar:

ClinVar aggregate classification (germline): Uncertain significance. Review status: criteria provided, multiple submitters, no conflicts (2 of 4 stars). 2 submissions from 2 submitters: Uncertain significance (2). Last evaluated 2024-04-29.

Conditions:
Hereditary cancer-predisposing syndrome. Also called: Neoplastic Syndromes, Hereditary; Tumor predisposition; Hereditary Cancer Syndrome; Hereditary neoplastic syndrome. Identifiers: Orphanet 140162, MedGen C0027672, MeSH D009386, MONDO:0015356.
Hereditary nonpolyposis colorectal neoplasms. Identifiers: MedGen C0009405, MeSH D003123.

Submissions (2):

Labcorp Genetics (formerly Invitae), Labcorp
Classification: Uncertain significance for Hereditary nonpolyposis colorectal neoplasms. Last evaluated: 2024-04-29. Review status: criteria provided, single submitter. Criteria: Invitae Variant Classification Sherloc (09022015). Collection method: clinical testing. Allele origin: germline.
Comment: This sequence change replaces alanine, which is neutral and non-polar, with proline, which is neutral and non-polar, at codon 84 of the MSH6 protein (p.Ala84Pro). This variant is not present in population databases (gnomAD no frequency). This variant has not been reported in the literature in individuals affected with MSH6-related conditions. ClinVar contains an entry for this variant (Variation ID: 821398). Advanced modeling of protein sequence and biophysical properties (such as structural, functional, and spatial information, amino acid conservation, physicochemical variation, residue mobility, and thermodynamic stability) performed at Invitae indicates that this missense variant is not expected to disrupt MSH6 protein function with a negative predictive value of 95%. In summary, the available evidence is currently insufficient to determine the role of this variant in disease. Therefore, it has been classified as a Variant of Uncertain Significance.

Ambry Genetics
Classification: Uncertain significance for Hereditary cancer-predisposing syndrome. Last evaluated: 2019-10-01. Review status: criteria provided, single submitter. Criteria: Ambry Variant Classification Scheme 2023. Collection method: clinical testing. Allele origin: germline.
Comment: The p.A84P variant (also known as c.250G>C), located in coding exon 1 of the MSH6 gene, results from a G to C substitution at nucleotide position 250. The alanine at codon 84 is replaced by proline, an amino acid with highly similar properties. This amino acid position is poorly conserved in available vertebrate species. In addition, this alteration is predicted to be tolerated by in silico analysis. Since supporting evidence is limited at this time, the clinical significance of this alteration remains unclear.

NM_000179.3(MSH6):c.250G>C (p.Ala84Pro)

Genes: MSH6 (mutS homolog 6; plus strand), LOC129933707 (ATAC-STARR-seq lymphoblastoid silent region 11468; plus strand). Cytogenetic location: 2p16.3.
Variant type: single nucleotide variant.
Coding change: c.250G>C on transcript NM_000179.3 (MANE Select); coding-DNA position 250, G replaced by C.
Protein change: p.Ala84Pro; replaces alanine 84 with proline.
Molecular consequence: missense variant. On other transcripts: 5 prime UTR variant (1), intron variant (1).
Genome position (GRCh38, 1-based): chr2:47,783,483, G>C. VCF-style: chr2-47783483-G-C. GRCh37 (hg19) VCF-style: chr2-48010622-G-C.
Other names: c.-487G>C (NM_001281493.2); c.237+13G>C (NM_001281492.2); short protein forms A84P.
Identifiers: ClinVar variation 821398 (VCV000821398.16), dbSNP rs1553408435, ClinGen allele CA346735138.